The following is an entry in ClinVar:

NM_003383.5(VLDLR):c.2577G>A (p.Thr859=)

Gene: VLDLR (very low density lipoprotein receptor; plus strand). Cytogenetic location: 9p24.2.
Variant type: single nucleotide variant.
Coding change: c.2577G>A on transcript NM_003383.5 (MANE Select); coding-DNA position 2577, G replaced by A.
Protein change: p.Thr859=; no amino-acid change (threonine 859 retained).
Molecular consequence: synonymous variant.
Genome position (GRCh38, 1-based): chr9:2,652,940, G>A. VCF-style: chr9-2652940-G-A. GRCh37 (hg19) VCF-style: chr9-2652940-G-A.
Other names: c.2493G>A, p.Thr831= (NM_001018056.3); c.2454G>A, p.Thr818= (NM_001322225.2); c.2370G>A, p.Thr790= (NM_001322226.2).
Identifiers: ClinVar variation 748772 (VCV000748772.21), dbSNP rs769064973, ClinGen allele CA4965230.
Genomic context (GRCh38, chr9:2,652,940, plus strand): 5'-AACCACTGAAGAGGACCTCTCCATAGACATTGGTAGACACAGTGCTTCTGTTGGACACAC[G>A]TACCCAGCAGTAAGTCAGCTTTGTGTCTTTATACACCATGGCTTGAAGTGAGACTTTTCA-3'
Protein context (NP_003374.3, residues 849-869): IGRHSASVGH[Thr859=]YPAISVVSTD

ClinVar aggregate classification (germline): Likely benign. Review status: criteria provided, multiple submitters, no conflicts (2 of 4 stars). 3 submissions from 3 submitters: Likely benign (3). Last evaluated 2024-10-09.

Allele frequency attached by ClinVar (database versions not stated): TOPMed below 0.00001; ExAC 0.00001; gnomAD 0.00001; gnomAD exomes 0.00001.
gnomAD v4.1: 19 of 1,613,984 alleles (0.0012%); highest among the groups gnomAD compares: Middle Eastern, 0.05%; no homozygotes.

Submissions (3):

Blueprint Genetics
Classification: Likely benign. Last evaluated: 2024-10-09. Review status: criteria provided, single submitter. Criteria: ACMG Guidelines, 2015. Collection method: clinical testing. Allele origin: germline.

CeGaT Center for Human Genetics Tuebingen
Classification: Likely benign. Last evaluated: 2024-10-01. Review status: criteria provided, single submitter. Criteria: CeGaT Center For Human Genetics Tuebingen Variant Classification Criteria Version 2. Collection method: clinical testing. Allele origin: germline. Affected: yes. Observed: 1 variant allele.
Comment: VLDLR: BP4, BP7

Labcorp Genetics (formerly Invitae), Labcorp
Classification: Likely benign. Last evaluated: 2024-02-16. Review status: criteria provided, single submitter. Criteria: Invitae Variant Classification Sherloc (09022015). Collection method: clinical testing. Allele origin: germline.